The following is an entry in ClinVar:

NM_001127464.1:c.2644G>C

Gene: ZNF469 (zinc finger protein 469; plus strand).
Variant type: single nucleotide variant.
Identifiers: ClinVar variation 4209113 (VCV004209113.1).

ClinVar aggregate classification (germline): Uncertain significance (1 of 4 stars; one submission).

Conditions:
Cardiovascular phenotype. Identifiers: MedGen CN230736.

Submission:

Ambry Genetics
Classification: Uncertain significance for Cardiovascular phenotype. Last evaluated: 2025-06-30. Review status: criteria provided, single submitter. Criteria: Ambry Variant Classification Scheme 2023. Collection method: clinical testing. Allele origin: germline.
Comment: The p.G882R variant (also known as c.2644G>C), located in coding exon 1 of the ZNF469 gene, results from a G to C substitution at nucleotide position 2644. The glycine at codon 882 is replaced by arginine, an amino acid with dissimilar properties. This amino acid position is conserved. In addition, this alteration is predicted to be tolerated by in silico analysis. Based on the available evidence, the clinical significance of this variant remains unclear.